The following is an entry in ClinVar:

NM_000093.5(COL5A1):c.5502_5503delinsCG (p.Cys1835Gly)

Genes: COL5A1 (collagen type V alpha 1 chain; plus strand), LOC101448202 (uncharacterized LOC101448202; minus strand). Cytogenetic location: 9q34.3.
Variant type: Indel.
Coding change: c.5502_5503delinsCG on transcript NM_000093.5 (MANE Select); coding-DNA positions 5502 to 5503, TT replaced by CG.
Protein change: p.Cys1835Gly; replaces cysteine 1835 with glycine.
Molecular consequence: missense variant.
Genome position (GRCh38, 1-based): chr9:134,842,288-134,842,289, TT replaced by CG. VCF-style: chr9-134842288-TT-CG. GRCh37 (hg19) VCF-style: chr9-137734134-TT-CG.
Other names: c.5502_5503delinsCG, p.Cys1835Gly (NM_001278074.1); short protein forms C1835G.
Identifiers: ClinVar variation 3383245 (VCV003383245.1).
Genomic context (GRCh38, chr9:134,842,288, plus strand): 5'-CATCATGTTCAATGACTTCGGTGAAGCGTCACAGAAATTTGGATTTGAAGTGGGGCCGGC[TT>CG]GCTTCATGGGCTAGGAGCCGCCGAGCCCGGGCTCCCGAGAGCAACCTCGTGACCTCAGCA-3'
Protein context (NP_000084.3, residues 1825-1838): QKFGFEVGPA[Cys1835Gly]FMG

ClinVar aggregate classification (germline): Likely pathogenic (1 of 4 stars; one submission).

Conditions:
Ehlers-Danlos syndrome, classic type, 1 (EDSCL1). Also called: EHLERS-DANLOS SYNDROME, GRAVIS TYPE; EHLERS-DANLOS SYNDROME, SEVERE CLASSIC TYPE; Ehlers-Danlos syndrome, type 1; Ehlers-Danlos Syndrome, Classic Type, COL5A1-Related; EDS I. Identifiers: MedGen C0268335, MONDO:0019567, OMIM 130000.

Submission:

MVZ Medizinische Genetik Mainz
Classification: Likely pathogenic for Ehlers-Danlos syndrome, classic type, 1. Last evaluated: 2024-10-17. Review status: criteria provided, single submitter. Criteria: UK Practice Guidelines For Variant Classification V4 01 2020. Collection method: clinical testing. Allele origin: germline. Inheritance: Autosomal dominant inheritance. Affected: yes. Observed: 1 variant allele.
Comment: ACMG Criteria: PM1_STR,PM2_SUP,PM5_SUP